The following is an entry in ClinVar:

ClinVar aggregate classification (germline): Uncertain significance. Review status: criteria provided, multiple submitters, no conflicts (2 of 4 stars). 2 submissions from 2 submitters: Uncertain significance (2). Last evaluated 2025-09-26.

Allele frequency attached by ClinVar (database versions not stated): gnomAD 0.00015 and 0.00013; 1000 Genomes Project 0.00040; 1000 Genomes Project 30x 0.00047; gnomAD exomes 0.00002 and 0.00001; TOPMed 0.00015; ExAC 0.00002.
gnomAD v4.1: 36 of 1,614,176 alleles (0.0022%); highest among the groups gnomAD compares: African/African-American, 0.037%; no homozygotes.

Submissions (2):

Ambry Genetics
Classification: Uncertain significance. Last evaluated: 2025-09-26. Review status: criteria provided, single submitter. Criteria: Ambry Variant Classification Scheme 2023. Collection method: clinical testing. Allele origin: germline.

Labcorp Genetics (formerly Invitae), Labcorp
Classification: Uncertain significance. Last evaluated: 2022-07-19. Review status: criteria provided, single submitter. Criteria: Invitae Variant Classification Sherloc (09022015). Collection method: clinical testing. Allele origin: germline.
Comment: This sequence change replaces proline, which is neutral and non-polar, with serine, which is neutral and polar, at codon 31 of the ZNF341 protein (p.Pro31Ser). This variant is present in population databases (rs530796676, gnomAD 0.03%). This variant has not been reported in the literature in individuals affected with ZNF341-related conditions. ClinVar contains an entry for this variant (Variation ID: 1523282). Algorithms developed to predict the effect of missense changes on protein structure and function output the following: SIFT: "Tolerated"; PolyPhen-2: "Benign"; Align-GVGD: "Class C0". The serine amino acid residue is found in multiple mammalian species, which suggests that this missense change does not adversely affect protein function. In summary, the available evidence is currently insufficient to determine the role of this variant in disease. Therefore, it has been classified as a Variant of Uncertain Significance.

NM_001282933.2(ZNF341):c.91C>T (p.Pro31Ser)

Gene: ZNF341 (zinc finger protein 341; plus strand). Cytogenetic location: 20q11.22.
Variant type: single nucleotide variant.
Coding change: c.91C>T on transcript NM_001282933.2 (MANE Select); coding-DNA position 91, C replaced by T.
Protein change: p.Pro31Ser; replaces proline 31 with serine.
Molecular consequence: missense variant. On other transcripts: synonymous variant (1), non-coding transcript variant (1).
Genome position (GRCh38, 1-based): chr20:33,740,961, C>T. VCF-style: chr20-33740961-C-T. GRCh37 (hg19) VCF-style: chr20-32328767-C-T.
Other names: c.18C>T, p.Ser6= (NM_001282935.2); c.91C>T, p.Pro31Ser (NM_032819.5); c.91C>T (NM_032819.3); short protein forms P31S.
Identifiers: ClinVar variation 1523282 (VCV001523282.4), dbSNP rs530796676, ClinGen allele CA9819055.